The following is an entry in ClinVar:

NM_001037.5(SCN1B):c.16G>T (p.Ala6Ser)

Gene: SCN1B (sodium voltage-gated channel beta subunit 1; plus strand). Cytogenetic location: 19q13.11.
Variant type: single nucleotide variant.
Coding change: c.16G>T on transcript NM_001037.5 (MANE Select); coding-DNA position 16, G replaced by T.
Protein change: p.Ala6Ser; replaces alanine 6 with serine.
Molecular consequence: missense variant.
Genome position (GRCh38, 1-based): chr19:35,030,836, G>T. VCF-style: chr19-35030836-G-T. GRCh37 (hg19) VCF-style: chr19-35521740-G-T.
Other names: c.16G>T, p.Ala6Ser (NM_199037.5); short protein forms A6S.
Identifiers: ClinVar variation 4160587 (VCV004160587.1).
Genomic context (GRCh38, chr19:35,030,836, plus strand): 5'-AATACCGGCGGCCCGGGAGGGGGGCGCAGCACGCGCCGCGCAGCCATGGGGAGGCTGCTG[G>T]CCTTAGTGGTCGGCGCGGCACTGGGTGAGTGCGCGGGGGGCGCGCGCGGCCGGGGGGCAC-3'
Protein context (NP_001028.1, residues 1-16): MGRLL[Ala6Ser]LVVGAALVSS

ClinVar aggregate classification (germline): Uncertain significance (1 of 4 stars; one submission).

Conditions:
Cardiovascular phenotype. Identifiers: MedGen CN230736.

Submission:

Ambry Genetics
Classification: Uncertain significance for Cardiovascular phenotype. Last evaluated: 2025-06-23. Review status: criteria provided, single submitter. Criteria: Ambry Variant Classification Scheme 2023. Collection method: clinical testing. Allele origin: germline.
Comment: The p.A6S variant (also known as c.16G>T), located in coding exon 1 of the SCN1B gene, results from a G to T substitution at nucleotide position 16. The alanine at codon 6 is replaced by serine, an amino acid with similar properties. This amino acid position is conserved. In addition, the in silico prediction for this alteration is inconclusive. Based on the available evidence, the clinical significance of this variant remains unclear.